The following is an entry in ClinVar:

NM_016207.4(CPSF3):c.1061T>C (p.Ile354Thr)

Gene: CPSF3 (cleavage and polyadenylation specific factor 3; plus strand). Cytogenetic location: 2p25.1.
Variant type: single nucleotide variant.
Coding change: c.1061T>C on transcript NM_016207.4 (MANE Select); coding-DNA position 1061, T replaced by C.
Protein change: p.Ile354Thr; replaces isoleucine 354 with threonine.
Molecular consequence: missense variant.
Genome position (GRCh38, 1-based): chr2:9,441,942, T>C. VCF-style: chr2-9441942-T-C. GRCh37 (hg19) VCF-style: chr2-9582071-T-C.
Other names: c.950T>C, p.Ile317Thr (NM_001321833.2, NM_001321834.2); c.644T>C, p.Ile215Thr (NM_001321835.2); c.1073T>C, p.Ile358Thr (NM_001321836.2); c.1061T>C (NM_016207.2); short protein forms I354T, I215T, I317T, I358T.
Identifiers: ClinVar variation 1686867 (VCV001686867.4), dbSNP rs1370670757, ClinGen allele CA345778930.
Genomic context (GRCh38, chr2:9,441,942, plus strand): 5'-GTGGCTTATCCAGAGAATTATTTGAAAGCTGGTGTACTGATAAGAGGAATGGTGTCATTA[T>C]AGCGGGATACTGTGTAGAAGGGACACTTGCCAAGGTCAGTTACAGTCATAGGCTGTTGTG-3'
Protein context (NP_057291.1, residues 344-364): WCTDKRNGVI[Ile354Thr]AGYCVEGTLA

ClinVar aggregate classification (germline): Uncertain significance. Review status: criteria provided, single submitter (1 of 4 stars). 2 submissions from 2 submitters: Uncertain significance (1). 1 of the submissions does not count toward it. Last evaluated 2024-09-11.

Conditions:
Neurodevelopmental disorder with hypotonia, microcephaly, and seizures (NEDHYMS). Identifiers: MedGen C5394312, MONDO:0030025, OMIM 618862.

Allele frequency attached by ClinVar (database versions not stated): gnomAD exomes 0.00001; TOPMed 0.00001.
gnomAD v4.1: 5 of 1,614,134 alleles (0.00031%); highest among the groups gnomAD compares: Admixed American, 0.005%; no homozygotes.

Submissions (2):

Ambry Genetics
Classification: Uncertain significance. Last evaluated: 2024-09-11. Review status: criteria provided, single submitter. Criteria: Ambry Variant Classification Scheme 2023. Collection method: clinical testing. Allele origin: germline.
Comment: The c.1061T>C (p.I354T) alteration is located in exon 9 (coding exon 9) of the CPSF3 gene. This alteration results from a T to C substitution at nucleotide position 1061, causing the isoleucine (I) at amino acid position 354 to be replaced by a threonine (T). Based on data from gnomAD, the C allele has an overall frequency of 0.001% (2/251478) total alleles studied. The highest observed frequency was 0.006% (2/34590) of Latino alleles. This variant has been identified in the homozygous state in related individuals with severe intellectual disability, seizures, peripheral motor neuropathy, nystagmus, brain abnormalities, microcephaly, protruding teeth, optic atrophy, and motor delay (Arnadottir, 2022). This amino acid position is highly conserved in available vertebrate species. This alteration is predicted to be deleterious by in silico analysis. Based on insufficient or conflicting evidence, the clinical significance of this alteration remains unclear.

OMIM
Classification: Pathogenic for NEURODEVELOPMENTAL DISORDER WITH MICROCEPHALY, HYPOTONIA, NYSTAGMUS, AND SEIZURES. Last evaluated: 2022-06-14. Review status: no assertion criteria provided. Collection method: literature only. Allele origin: germline. Not counted in ClinVar's aggregate classification.

Literature cited by the submitters: PubMed 35121750 (cited by Ambry Genetics and OMIM).